The following is an entry in ClinVar:

ClinVar aggregate classification (germline): Uncertain significance (1 of 4 stars; one submission).

Conditions:
Angelman syndrome (AS). Also called: HAPPY PUPPET SYNDROME. Identifiers: Orphanet 72, MedGen C0162635, MONDO:0007113, OMIM 105830. Disease mechanism: loss of function. Inheritance: AS is caused by disruption of maternally imprinted UBE3A located within the 15q11.2-q13 Angelman syndrome/Prader-Willi syndrome (AS/PWS) region., imprinting disorder.

Submission:

Labcorp Genetics (formerly Invitae), Labcorp
Classification: Uncertain significance for Angelman syndrome. Last evaluated: 2020-08-20. Review status: criteria provided, single submitter. Criteria: Invitae Variant Classification Sherloc (09022015). Collection method: clinical testing. Allele origin: germline.
Comment: In summary, the available evidence is currently insufficient to determine the role of this variant in disease. Therefore, it has been classified as a Variant of Uncertain Significance. Algorithms developed to predict the effect of missense changes on protein structure and function are either unavailable or do not agree on the potential impact of this missense change (SIFT: "Not Available"; PolyPhen-2: "Benign"; Align-GVGD: "Not Available"). This variant has not been reported in the literature in individuals with UBE3A-related conditions. This variant is not present in population databases (ExAC no frequency). This sequence change replaces alanine with proline at codon 174 of the UBE3A protein (p.Ala174Pro). The alanine residue is moderately conserved and there is a small physicochemical difference between alanine and proline.

NM_130839.5(UBE3A):c.580G>C (p.Ala194Pro)

Genes: SNHG14 (small nucleolar RNA host gene 14; plus strand), UBE3A (ubiquitin protein ligase E3A; minus strand). Cytogenetic location: 15q11.2.
Variant type: single nucleotide variant.
Coding change: c.580G>C on transcript NM_130839.5 (MANE Select); coding-DNA position 580, G replaced by C.
Protein change: p.Ala194Pro; replaces alanine 194 with proline.
Molecular consequence: missense variant. On other transcripts: non-coding transcript variant (1), intron variant (2).
Genome position (GRCh38, 1-based): chr15:25,371,594, C>G on the plus strand (G>C on the coding strand, the complement: UBE3A is on the minus strand). VCF-style: chr15-25371594-C-G. GRCh37 (hg19) VCF-style: chr15-25616741-C-G.
Other names: c.589G>C, p.Ala197Pro (NM_000462.5); c.580G>C, p.Ala194Pro (NM_001354505.1, NM_001354538.2, NM_001354545.2); c.520G>C, p.Ala174Pro (NM_001354506.2, NM_001354507.2, NM_001354508.2 and 17 more transcripts); c.301+3871G>C (NM_001354551.2); c.361+3871G>C (NM_001354550.2); c.403G>C, p.Ala135Pro (NM_001354546.2); short protein forms A135P, A174P, A194P, A197P.
Identifiers: ClinVar variation 1024047 (VCV001024047.7), dbSNP rs751370485, ClinGen allele CA391355523.
Genomic context (GRCh38, chr15:25,371,594, plus strand): 5'-TATCACCTATCCTTGAGGAAGATGCTTCTGAGTCTTCTTCCATAGCAGCAGCAGAACATG[C>G]AGCTTTTTCCTTTTCATCTTCATCTTTGTCTTCATCTTTTGCTTGAAGAGATTTCAGTTC-3'
Protein context (NP_570854.1, residues 184-204): DKDEDEKEKA[Ala194Pro]CSAAAMEEDS